The following is an entry in ClinVar:

NM_001080517.3(SETD5):c.3880C>G (p.Leu1294Val)

Gene: SETD5 (SET domain containing 5; plus strand). Cytogenetic location: 3p25.3.
Variant type: single nucleotide variant.
Coding change: c.3880C>G on transcript NM_001080517.3 (MANE Select); coding-DNA position 3880, C replaced by G.
Protein change: p.Leu1294Val; replaces leucine 1294 with valine.
Molecular consequence: missense variant.
Genome position (GRCh38, 1-based): chr3:9,475,642, C>G. VCF-style: chr3-9475642-C-G. GRCh37 (hg19) VCF-style: chr3-9517326-C-G.
Other names: c.3586C>G, p.Leu1196Val (NM_001292043.2, NM_001349451.2); short protein forms L1294V, L1196V.
Identifiers: ClinVar variation 2052701 (VCV002052701.4), dbSNP rs1575632782, ClinGen allele CA351691952.

ClinVar aggregate classification (germline): Uncertain significance (1 of 4 stars; one submission).

Submission:

Labcorp Genetics (formerly Invitae), Labcorp
Classification: Uncertain significance. Last evaluated: 2022-04-12. Review status: criteria provided, single submitter. Criteria: Invitae Variant Classification Sherloc (09022015). Collection method: clinical testing. Allele origin: germline.
Comment: In summary, the available evidence is currently insufficient to determine the role of this variant in disease. Therefore, it has been classified as a Variant of Uncertain Significance. Algorithms developed to predict the effect of missense changes on protein structure and function (SIFT, PolyPhen-2, Align-GVGD) all suggest that this variant is likely to be tolerated. This variant has not been reported in the literature in individuals affected with SETD5-related conditions. This variant is not present in population databases (gnomAD no frequency). This sequence change replaces leucine, which is neutral and non-polar, with valine, which is neutral and non-polar, at codon 1294 of the SETD5 protein (p.Leu1294Val).